The following is an entry in ClinVar:

NM_021930.6(RINT1):c.1222T>C (p.Phe408Leu)

Gene: RINT1 (RAD50 interactor 1; plus strand). Cytogenetic location: 7q22.3.
Variant type: single nucleotide variant.
Coding change: c.1222T>C on transcript NM_021930.6 (MANE Select); coding-DNA position 1222, T replaced by C.
Protein change: p.Phe408Leu; replaces phenylalanine 408 with leucine.
Molecular consequence: missense variant. On other transcripts: non-coding transcript variant (1).
Genome position (GRCh38, 1-based): chr7:105,550,375, T>C. VCF-style: chr7-105550375-T-C. GRCh37 (hg19) VCF-style: chr7-105190822-T-C.
Other names: c.988T>C, p.Phe330Leu (NM_001346599.2); c.199T>C, p.Phe67Leu (NM_001346600.2, NM_001346603.2); c.298T>C, p.Phe100Leu (NM_001346601.2); short protein forms F408L, F100L, F330L, F67L.
Identifiers: ClinVar variation 4154612 (VCV004154612.1).

ClinVar aggregate classification (germline): Uncertain significance (1 of 4 stars; one submission).

gnomAD v4.1: 1 of 1,614,136 alleles (0.000062%); highest among the groups gnomAD compares: South Asian, 0.0011%; no homozygotes.

Submission:

Ambry Genetics
Classification: Uncertain significance. Last evaluated: 2025-07-31. Review status: criteria provided, single submitter. Criteria: Ambry Variant Classification Scheme 2023. Collection method: clinical testing. Allele origin: germline.
Comment: The p.F408L variant (also known as c.1222T>C), located in coding exon 9 of the RINT1 gene, results from a T to C substitution at nucleotide position 1222. The phenylalanine at codon 408 is replaced by leucine, an amino acid with highly similar properties. This amino acid position is conserved. In addition, this alteration is predicted to be deleterious by in silico analysis. Based on the available evidence, the clinical significance of this variant remains unclear.